The following is an entry in ClinVar:

ClinVar aggregate classification (germline): Uncertain significance (1 of 4 stars; one submission).

Submission:

Labcorp Genetics (formerly Invitae), Labcorp
Classification: Uncertain significance. Last evaluated: 2018-04-17. Review status: criteria provided, single submitter. Criteria: Invitae Variant Classification Sherloc (09022015). Collection method: clinical testing. Allele origin: germline.
Comment: Algorithms developed to predict the effect of missense changes on protein structure and function (SIFT, PolyPhen-2, Align-GVGD) all suggest that this variant is likely to be tolerated, but these predictions have not been confirmed by published functional studies and their clinical significance is uncertain. In summary, the available evidence is currently insufficient to determine the role of this variant in disease. Therefore, it has been classified as a Variant of Uncertain Significance. This variant has not been reported in the literature in individuals with MSH3-related disease. This sequence change replaces leucine with isoleucine at codon 213 of the MSH3 protein (p.Leu213Ile). The leucine residue is weakly conserved and there is a small physicochemical difference between leucine and isoleucine. This variant is not present in population databases (ExAC no frequency).

NM_002439.5(MSH3):c.637T>A (p.Leu213Ile)

Gene: MSH3 (mutS homolog 3; plus strand). Cytogenetic location: 5q14.1.
Variant type: single nucleotide variant.
Coding change: c.637T>A on transcript NM_002439.5 (MANE Select); coding-DNA position 637, T replaced by A.
Protein change: p.Leu213Ile; replaces leucine 213 with isoleucine.
Molecular consequence: missense variant.
Genome position (GRCh38, 1-based): chr5:80,670,154, T>A. VCF-style: chr5-80670154-T-A. GRCh37 (hg19) VCF-style: chr5-79965973-T-A.
Other names: short protein forms L213I.
Identifiers: ClinVar variation 1018377 (VCV001018377.8), dbSNP rs1749671543, ClinGen allele CA360266523.